The following is an entry in ClinVar:

ClinVar aggregate classification (germline): Uncertain significance. Review status: criteria provided, multiple submitters, no conflicts (2 of 4 stars). 3 submissions from 3 submitters: Uncertain significance (3). Last evaluated 2026-01-19.

Conditions:
Muscle AMP deaminase deficiency (MMDD). Also called: ADENOSINE MONOPHOSPHATE DEAMINASE-1 DEFICIENCY, MYOPATHY DUE TO; Myoadenylate deaminase deficiency, myopathy due to; Adenosine monophosphate deaminase 1 deficiency; AMP deaminase 1 deficiency; Adenosine Monophosphate Deaminase 1; AMPD1 DEFICIENCY. Identifiers: Orphanet 45, MedGen C3714933, MONDO:0014220, OMIM 615511.

Allele frequency attached by ClinVar (database versions not stated): gnomAD 0.00008 and 0.00009; gnomAD exomes 0.00009 and 0.00015; TOPMed 0.00011; ExAC 0.00013; ESP Exome Variant Server 0.00023.
gnomAD v4.1: 143 of 1,613,274 alleles (0.0089%); highest among the groups gnomAD compares: Admixed American, 0.047%; no homozygotes.

Submissions (3):

Labcorp Genetics (formerly Invitae), Labcorp
Classification: Uncertain significance for Muscle AMP deaminase deficiency. Last evaluated: 2026-01-19. Review status: criteria provided, single submitter. Criteria: Invitae Variant Classification Sherloc (09022015). Collection method: clinical testing. Allele origin: germline.
Comment: This sequence change replaces arginine, which is basic and polar, with tryptophan, which is neutral and slightly polar, at codon 175 of the AMPD1 protein (p.Arg175Trp). This variant is present in population databases (rs369963978, gnomAD 0.06%). This variant has not been reported in the literature in individuals affected with AMPD1-related conditions. ClinVar contains an entry for this variant (Variation ID: 291933). Invitae Evidence Modeling of protein sequence and biophysical properties (such as structural, functional, and spatial information, amino acid conservation, physicochemical variation, residue mobility, and thermodynamic stability) indicates that this missense variant is not expected to disrupt AMPD1 protein function with a negative predictive value of 80%. In summary, the available evidence is currently insufficient to determine the role of this variant in disease. Therefore, it has been classified as a Variant of Uncertain Significance.

Revvity Omics, Revvity
Classification: Uncertain significance for Muscle AMP deaminase deficiency. Last evaluated: 2019-05-10. Review status: criteria provided, single submitter. Criteria: ACMG Guidelines, 2015. Collection method: clinical testing. Allele origin: germline.

Baylor Genetics
Classification: Uncertain significance for Muscle AMP deaminase deficiency. Last evaluated: 2018-03-01. Review status: criteria provided, single submitter. Criteria: ACMG Guidelines, 2015. Collection method: clinical testing. Allele origin: maternal. Affected: yes.
Comment: This variant was determined to be of uncertain significance according to ACMG Guidelines, 2015 [PMID:25741868].

NM_000036.3(AMPD1):c.424C>T (p.Arg142Trp)

Gene: AMPD1 (adenosine monophosphate deaminase 1; minus strand). Cytogenetic location: 1p13.2.
Variant type: single nucleotide variant.
Coding change: c.424C>T on transcript NM_000036.3 (MANE Select); coding-DNA position 424, C replaced by T.
Protein change: p.Arg142Trp; replaces arginine 142 with tryptophan.
Molecular consequence: missense variant.
Genome position (GRCh38, 1-based): chr1:114,684,322, G>A on the plus strand (C>T on the coding strand, the complement: AMPD1 is on the minus strand). VCF-style: chr1-114684322-G-A. GRCh37 (hg19) VCF-style: chr1-115226943-G-A.
Other names: c.412C>T, p.Arg138Trp (NM_001172626.2); short protein forms R175W, R138W, R142W.
Identifiers: ClinVar variation 291933 (VCV000291933.8), dbSNP rs369963978, ClinGen allele CA1020433.